The following is an entry in ClinVar:

ClinVar aggregate classification (germline): Uncertain significance. Review status: criteria provided, multiple submitters, no conflicts (2 of 4 stars). 3 submissions from 3 submitters: Uncertain significance (3). Last evaluated 2024-03-09.

Conditions:
NIK deficiency. Also called: Primary immunodeficiency with multifaceted aberrant lymphoid immunity. Identifiers: Orphanet 447731, MedGen C5680065, MONDO:0018642.

Allele frequency attached by ClinVar (database versions not stated): gnomAD exomes 0.00005 and 0.00014; gnomAD 0.00006 and 0.00007; ESP Exome Variant Server 0.00008; TOPMed 0.00009; ExAC 0.00011; 1000 Genomes Project 30x 0.00016; 1000 Genomes Project 0.00020.
gnomAD v4.1: 84 of 1,614,016 alleles (0.0052%); highest among the groups gnomAD compares: Middle Eastern, 0.049%; no homozygotes.

Submissions (3):

Blueprint Genetics
Classification: Uncertain significance. Last evaluated: 2024-03-09. Review status: criteria provided, single submitter. Criteria: ACMG Guidelines, 2015. Collection method: clinical testing. Allele origin: germline.

Labcorp Genetics (formerly Invitae), Labcorp
Classification: Uncertain significance for NIK deficiency. Last evaluated: 2022-09-27. Review status: criteria provided, single submitter. Criteria: Invitae Variant Classification Sherloc (09022015). Collection method: clinical testing. Allele origin: germline.
Comment: This sequence change replaces valine, which is neutral and non-polar, with methionine, which is neutral and non-polar, at codon 239 of the MAP3K14 protein (p.Val239Met). This variant is present in population databases (rs372261116, gnomAD 0.05%). This variant has not been reported in the literature in individuals affected with MAP3K14-related conditions. ClinVar contains an entry for this variant (Variation ID: 835357). In summary, the available evidence is currently insufficient to determine the role of this variant in disease. Therefore, it has been classified as a Variant of Uncertain Significance.

Breakthrough Genomics
Classification: Uncertain significance. Review status: criteria provided, single submitter. Criteria: ACMG Guidelines, 2015. Collection method: not provided. Allele origin: germline. Inheritance: Unknown mechanism. Affected: yes.

NM_003954.5(MAP3K14):c.715G>A (p.Val239Met)

Gene: MAP3K14 (mitogen-activated protein kinase kinase kinase 14; minus strand). Cytogenetic location: 17q21.31.
Variant type: single nucleotide variant.
Coding change: c.715G>A on transcript NM_003954.5 (MANE Select); coding-DNA position 715, G replaced by A.
Protein change: p.Val239Met; replaces valine 239 with methionine.
Molecular consequence: missense variant.
Genome position (GRCh38, 1-based): chr17:45,286,868, C>T on the plus strand (G>A on the coding strand, the complement: MAP3K14 is on the minus strand). VCF-style: chr17-45286868-C-T. GRCh37 (hg19) VCF-style: chr17-43364235-C-T.
Other names: short protein forms V239M.
Identifiers: ClinVar variation 835357 (VCV000835357.7), dbSNP rs372261116, ClinGen allele CA8614290.
Genomic context (GRCh38, chr17:45,286,868, plus strand): 5'-GGAAGGGGTGCGTGGGCAGGGGCAGGGGGCCTCCGTCCTGGGGGTGGTGCAGTTTCCACA[C>T]GTGGTTCAGACATTGCAAGGGGCTGATCAGTTTGTGGAGTTCTGATCGAGGCAGAGCCGG-3'
Protein context (NP_003945.2, residues 229-249): LISPLQCLNH[Val239Met]WKLHHPQDGG